The following is an entry in ClinVar:

NC_000016.10:g.1903155_2093402del

Genes: GFER (growth factor, augmenter of liver regeneration; plus strand), HS3ST6 (heparan sulfate-glucosamine 3-sulfotransferase 6; minus strand), MIR1225 (microRNA 1225; minus strand), MSRB1 (methionine sulfoxide reductase B1; minus strand), NDUFB10 (NADH:ubiquinone oxidoreductase subunit B10; plus strand) and 37 more. Cytogenetic location: 16p13.3.
Variant type: Deletion.
Other names: arr[GRCh38] 16p13.3(1903155_2093402)x1.
Identifiers: ClinVar variation 1696839 (VCV001696839.1).

ClinVar aggregate classification (germline): Pathogenic (1 of 4 stars; one submission).

Conditions:
Tuberous sclerosis 2 (TSC2). Identifiers: Orphanet 805, MedGen C1860707, MONDO:0013199, OMIM 613254.

Submission:

Division of Genomic Medicine, Department of Advanced Medicine, Medical Research Institute, Kanazawa Medical University
Classification: Pathogenic for Tuberous sclerosis 2. Last evaluated: 2022-07-17. Review status: criteria provided, single submitter. Criteria: ACMG Guidelines, 2015. Collection method: clinical testing. Allele origin: germline. Affected: yes. Observed: 1 variant allele.
Comment: TSC2/PKD1 contiguous gene deletion syndrome.